The following is an entry in ClinVar:

NM_213599.3(ANO5):c.2561T>A (p.Ile854Lys)

Gene: ANO5 (anoctamin 5; plus strand). Cytogenetic location: 11p14.3.
Variant type: single nucleotide variant.
Coding change: c.2561T>A on transcript NM_213599.3 (MANE Select); coding-DNA position 2561, T replaced by A.
Protein change: p.Ile854Lys; replaces isoleucine 854 with lysine.
Molecular consequence: missense variant.
Genome position (GRCh38, 1-based): chr11:22,279,584, T>A. VCF-style: chr11-22279584-T-A. GRCh37 (hg19) VCF-style: chr11-22301130-T-A.
Other names: c.2558T>A, p.Ile853Lys (NM_001142649.2); short protein forms I854K, I853K.
Identifiers: ClinVar variation 570661 (VCV000570661.12), dbSNP rs1311724644, ClinGen allele CA379924930.

ClinVar aggregate classification (germline): Uncertain significance. Review status: criteria provided, multiple submitters, no conflicts (2 of 4 stars). 2 submissions from 2 submitters: Uncertain significance (2). Last evaluated 2025-08-29.

Conditions:
Inborn genetic diseases. Identifiers: MedGen C0950123, MeSH D030342.
Autosomal recessive limb-girdle muscular dystrophy type 2L (LGMDR12). Also called: MUSCULAR DYSTROPHY, LIMB-GIRDLE, AUTOSOMAL RECESSIVE 12; Limb-girdle muscular dystrophy, type 2L; Limb-Girdle Muscular Dystrophy R12 Anoctamin-5-Related (LGMD-R12). Identifiers: Orphanet 206549, MedGen C1969785, MONDO:0012652, OMIM 611307.
Gnathodiaphyseal dysplasia (GDD). Also called: GNATHODIAPHYSEAL SCLEROSIS; OSTEOGENESIS IMPERFECTA WITH UNUSUAL SKELETAL LESIONS. Identifiers: Orphanet 53697, MedGen C1833736, MONDO:0008151, OMIM 166260.

Allele frequency attached by ClinVar (database versions not stated): gnomAD 0.00001; TOPMed 0.00001.
gnomAD v4.1: 2 of 1,612,776 alleles (0.00012%); highest among the groups gnomAD compares: African/African-American, 0.0027%; 1 homozygote.

Submissions (2):

Labcorp Genetics (formerly Invitae), Labcorp
Classification: Uncertain significance for Autosomal recessive limb-girdle muscular dystrophy type 2L; Gnathodiaphyseal dysplasia. Last evaluated: 2025-08-29. Review status: criteria provided, single submitter. Criteria: Invitae Variant Classification Sherloc (09022015). Collection method: clinical testing. Allele origin: germline.
Comment: This sequence change replaces isoleucine, which is neutral and non-polar, with lysine, which is basic and polar, at codon 854 of the ANO5 protein (p.Ile854Lys). This variant is not present in population databases (gnomAD no frequency). This variant has not been reported in the literature in individuals affected with ANO5-related conditions. ClinVar contains an entry for this variant (Variation ID: 570661). Invitae Evidence Modeling of protein sequence and biophysical properties (such as structural, functional, and spatial information, amino acid conservation, physicochemical variation, residue mobility, and thermodynamic stability) indicates that this missense variant is expected to disrupt ANO5 protein function with a positive predictive value of 95%. In summary, the available evidence is currently insufficient to determine the role of this variant in disease. Therefore, it has been classified as a Variant of Uncertain Significance.

Ambry Genetics
Classification: Uncertain significance for Inborn genetic diseases. Last evaluated: 2018-03-28. Review status: criteria provided, single submitter. Criteria: Ambry exome assertion method (8-5-2015). Collection method: clinical testing. Allele origin: germline. Affected: yes. Observed: 1 variant allele.